The following is an entry in ClinVar:

ClinVar aggregate classification (germline): Likely benign (1 of 4 stars; one submission).

Allele frequency attached by ClinVar (database versions not stated): gnomAD exomes below 0.00001.
gnomAD v4.1: 2 of 1,613,104 alleles (0.00012%); highest among the groups gnomAD compares: Non-Finnish European, 0.00017%; no homozygotes.

Submission:

GeneDx
Classification: Likely benign. Last evaluated: 2016-11-28. Review status: criteria provided, single submitter. Criteria: GeneDx Variant Classification (06012015). Collection method: clinical testing. Allele origin: germline. Affected: yes.
Comment: This variant is considered likely benign or benign based on one or more of the following criteria: it is a conservative change, it occurs at a poorly conserved position in the protein, it is predicted to be benign by multiple in silico algorithms, and/or has population frequency not consistent with disease.

NM_000136.3(FANCC):c.-23A>G

Gene: FANCC (FA complementation group C; minus strand). Cytogenetic location: 9q22.32.
Variant type: single nucleotide variant.
Coding change: c.-23A>G on transcript NM_000136.3 (MANE Select); 23 bases upstream of the start codon, A replaced by G.
Molecular consequence: 5 prime UTR variant.
Genome position (GRCh38, 1-based): chr9:95,249,314, T>C on the plus strand (A>G on the coding strand, the complement: FANCC is on the minus strand). VCF-style: chr9-95249314-T-C. GRCh37 (hg19) VCF-style: chr9-98011596-T-C.
Other names: c.-23A>G (NM_001243743.2, NM_001243744.2).
Identifiers: ClinVar variation 391237 (VCV000391237.1), dbSNP rs1057524011, ClinGen allele CA16605905.
Genomic context (GRCh38, chr9:95,249,314, plus strand): 5'-TGATAATCACAAGAAAGATCTACTGAATCTTGAGCCATCTTGGAAAAAGCGAAAAGGTGA[T>C]GTCCCTTCACAGCAGCCTGTCCAGCACTGAAGGAAATGGTCGGCACACATTAAATCTGTA-3'